The following is an entry in ClinVar:

NM_181789.4(GLDN):c.980_981del (p.Ser327fs)

Gene: GLDN (gliomedin; plus strand). Cytogenetic location: 15q21.2.
Variant type: Deletion.
Coding change: c.980_981del on transcript NM_181789.4 (MANE Select); coding-DNA positions 980 to 981, 2 bases deleted (CT; older notation c.980_981delCT).
Protein change: p.Ser327fs; shifts the reading frame from serine 327.
Molecular consequence: frameshift variant.
Genome position (GRCh38, 1-based): chr15:51,400,451-51,400,452, CT deleted; deleting any 2 consecutive bases within chr15:51,400,450-51,400,452 gives the same sequence; the c. name uses the placement nearest the transcript's 3' end. VCF-style (leftmost placement, unchanged base first): chr15-51400449-GTC-G. GRCh37 (hg19) VCF-style: chr15-51692646-GTC-G.
Other names: c.608_609del, p.Ser203fs (NM_001330297.2); c.980_981delCT (NM_181789.4, NM_181789.2); c.980_981del (NM_181789.2); short protein forms S203fs, S327fs.
Identifiers: ClinVar variation 870381 (VCV000870381.6), dbSNP rs755420151, ClinGen allele CA7560619.
Genomic context (GRCh38, chr15:51,400,449, plus strand): 5'-CATTGGAAACCCAGTGCAAGTACTGAAAGTGACAGAGACATTTGGGACTTGGATAAGAGA[GTC>G]TGCTAACAAGAGTGATGACCGGATTTGGGTGACAGAGCATTTTTCAGGTACTTGCACTCG-3'

ClinVar aggregate classification (germline): Pathogenic/Likely pathogenic. Review status: criteria provided, multiple submitters, no conflicts (2 of 4 stars). 4 submissions from 4 submitters: Pathogenic (3); Likely pathogenic (1). Last evaluated 2026-07-24.

Conditions:
GLDN-related disorder. Also called: GLDN-related condition.
Lethal congenital contracture syndrome 11 (LCCS11). Identifiers: MedGen C4310670, MONDO:0014965, OMIM 617194.

Submissions (4):

GeneDx
Classification: Pathogenic. Last evaluated: 2026-07-24. Review status: criteria provided, single submitter. Criteria: GeneDx Variant Classification Process June 2021. Collection method: clinical testing. Allele origin: germline.
Comment: Frameshift variant predicted to result in protein truncation or nonsense mediated decay in a gene for which loss of function is a known mechanism of disease; This variant is associated with the following publications: (PMID: 32573669, 35806855, Dolan2023[Poster])

Women's Health and Genetics/Laboratory Corporation of America, LabCorp
Classification: Pathogenic for Lethal congenital contracture syndrome 11. Last evaluated: 2025-11-26. Review status: criteria provided, single submitter. Criteria: LabCorp Variant Classification Summary - May 2015. Collection method: clinical testing. Allele origin: germline.
Comment: Variant summary: GLDN c.980_981delCT (p.Ser327CysfsX2) results in a premature termination codon, predicted to cause a truncation of the encoded protein or absence of the protein due to nonsense mediated decay, which are commonly known mechanisms for disease. The variant allele was found at a frequency of 2.8e-05 in 251448 control chromosomes. c.980_981delCT has been observed in the homozygous state in an individual affected with Lethal Congenital Contracture Syndrome 11 (Lunke_2020). These data indicate that the variant is likely associated with disease. To our knowledge, no experimental evidence demonstrating an impact on protein function has been reported. The following publication has been ascertained in the context of this evaluation (PMID: 32573669). ClinVar contains an entry for this variant (Variation ID: 870381). Based on the evidence outlined above, the variant was classified as pathogenic.

PreventionGenetics, part of Exact Sciences
Classification: Likely pathogenic for GLDN-related condition. Last evaluated: 2022-08-23. Review status: criteria provided, single submitter. Criteria: ACMG Guidelines, 2015. Collection method: clinical testing. Allele origin: germline.
Comment: The GLDN c.980_981delCT variant is predicted to result in a frameshift and premature protein termination (p.Ser327Cysfs*2). This variant was reported in the homozygous state in individual with lethal contracture syndrome (Lunke et al 2020. PubMed ID: 32573669). This variant is reported in 0.0070% of alleles in individuals of European (Non-Finnish) descent in gnomAD. Frameshift variants in GLDN are expected to be pathogenic. This variant is interpreted as likely pathogenic.

Victorian Clinical Genetics Services, Murdoch Childrens Research Institute
Classification: Pathogenic for Lethal congenital contracture syndrome 11. Last evaluated: 2019-01-14. Review status: criteria provided, single submitter. Criteria: ACMG Guidelines, 2015. Collection method: clinical testing. Allele origin: inherited. Affected: yes. Observed: 3 variant alleles. Clinical features observed: Hydrops fetalis (HP:0001789), Multiple joint contractures (HP:0002828), Downslanted palpebral fissures (HP:0000494).
Comment: A homozygous frameshift deletion variant, NM_181789.4(GLDN):c.980_981delCT, has been identified in exon 8 of 10 of the GLDN gene. This deletion is predicted to create a frameshift starting at amino acid position 327, introducing a stop codon 2 residues downstream (NP_861454.2(GLDN):p.(Ser327Cysfs*2)). This variant is predicted to result in loss of protein function through nonsense-mediated decay, which is a likely mechanism of pathogenicity for this gene. The variant is present in the gnomAD database at a frequency of 0.004% (10 heterozygotes, 0 homozygotes). This variant has not been previously reported in clinical cases. Several different variants also resulting in a premature termination codon have been reported in patients with arthrogryposis (ClinVar, Wambach, J. A., et al. (2017)). Based on the information available at the time of curation, this variant has been classified as PATHOGENIC.

Literature cited by the submitters: PubMed 32573669 (cited by Women's Health and Genetics/Laboratory Corporation of America, LabCorp).